The following is an entry in ClinVar:

NM_002458.3(MUC5B):c.13211C>G (p.Ala4404Gly)

Gene: MUC5B (mucin 5B, oligomeric mucus/gel-forming; plus strand). Cytogenetic location: 11p15.5.
Variant type: single nucleotide variant.
Coding change: c.13211C>G on transcript NM_002458.3 (MANE Select); coding-DNA position 13211, C replaced by G.
Protein change: p.Ala4404Gly; replaces alanine 4404 with glycine.
Molecular consequence: missense variant.
Genome position (GRCh38, 1-based): chr11:1,250,091, C>G. VCF-style: chr11-1250091-C-G. GRCh37 (hg19) VCF-style: chr11-1271321-C-G.
Other names: short protein forms A4404G.
Identifiers: ClinVar variation 403174 (VCV000403174.7), dbSNP rs2943517, ClinGen allele CA5808251.

ClinVar aggregate classification (germline): Benign. Review status: criteria provided, multiple submitters, no conflicts (2 of 4 stars). 3 submissions from 3 submitters: Benign (3). Last evaluated 2018-11-12.

Allele frequency attached by ClinVar (database versions not stated): gnomAD 0.41836 and 0.42241; 1000 Genomes Project 30x 0.44972; 1000 Genomes Project 0.45188; ExAC 0.45988; gnomAD exomes 0.46904.
gnomAD v4.1: 712,636 of 1,610,152 alleles (44%); highest among the groups gnomAD compares: East Asian, 67%; 159,555 homozygotes.

Submissions (3):

GeneDx
Classification: Benign. Last evaluated: 2018-11-12. Review status: criteria provided, single submitter. Criteria: GeneDx Variant Classification Process June 2021. Collection method: clinical testing. Allele origin: germline. Affected: yes.

Laboratory for Molecular Medicine, Mass General Brigham Personalized Medicine
Classification: Benign. Last evaluated: 2016-03-28. Review status: criteria provided, single submitter. Criteria: LMM Criteria. Collection method: clinical testing. Allele origin: germline.
Comment: Variant identified in a genome or exome case(s) and assessed due to predicted null impact of the variant or pathogenic assertions in the literature or databases. Disclaimer: This variant has not undergone full assessment. The following are preliminary notes: Frequency

Breakthrough Genomics
Classification: Benign. Review status: criteria provided, single submitter. Criteria: ACMG Guidelines, 2015. Collection method: not provided. Allele origin: germline. Inheritance: Autosomal dominant inheritance. Affected: yes.